The following is an entry in ClinVar:

ClinVar aggregate classification (germline): Pathogenic. Review status: reviewed by expert panel (3 of 4 stars). 5 submissions from 5 submitters: Pathogenic (1). 4 of the submissions do not count toward it. Last evaluated 2026-07-20.

Conditions:
CEP290-related disorder. Also called: CEP290-related disorders; CEP290-related condition. Identifiers: MedGen CN239314.
CEP290-related ciliopathy. Also called: CEP290 ciliopathy. Identifiers: MedGen CN305601, MONDO:0100451.
Nephronophthisis. Also called: Juvenile Nephronophthisis. Identifiers: Orphanet 655, MedGen C0687120, MONDO:0019005, HP:0000090.
Meckel-Gruber syndrome. Also called: Dysencephalia splachnocystica; DYSENCEPHALIA SPLANCHNOCYSTICA; GRUBER SYNDROME. Identifiers: Orphanet 564, MedGen C0265215, MONDO:0018921.
Joubert syndrome. Also called: Familial aplasia of the vermis; JOUBERT-BOLTSHAUSER SYNDROME. Identifiers: Orphanet 475, MedGen C5979921, MONDO:0018772.
Bardet-Biedl syndrome 14 (BBS14). Identifiers: Orphanet 110, MedGen C2673874, MONDO:0014442, OMIM 615991.

Allele frequency attached by ClinVar (database versions not stated): gnomAD exomes below 0.00001.
gnomAD v4.1: 5 of 1,561,050 alleles (0.00032%); highest among the groups gnomAD compares: Non-Finnish European, 0.00043%; no homozygotes.

Submissions (5):

ClinGen Leber Congenital Amaurosis/early Onset Retinal Dystrophy Variant Curation Expert Panel, ClinGen
Classification: Pathogenic for CEP290-related ciliopathy. Last evaluated: 2026-07-20. Review status: reviewed by expert panel. Criteria: ClinGen LCAeoRD ACMG Specifications CEP290 V1.0.0. Collection method: curation. Allele origin: germline. Inheritance: Autosomal recessive inheritance.
Comment: NM_025114.4(CEP290):c.1753C>T (p.Gln585Ter) is a nonsense variant that introduces a premature stop codon into exon 18 of 54 and is predicted to lead to nonsense-mediated decay in a gene in which loss-of-function is an established mechanism of disease (PVS1). This variant is present in gnomAD v4.1.1 at a total allele frequency of 0.000003203, with 5 alleles / 1.561.050 total alleles, which is lower than the ClinGen LCA/eoRD VCEP PM2_Supporting threshold of <0.0006 (PM2_Supporting). At least one proband harboring this variant exhibits a phenotype including diagnosis of Leber congenital amaurosis (0.5 pts), disease onset at age 1 month (0.5 pts), nystagmus (0.5 pts), extinguished electroretinogram responses (0.5 pts), best corrected visual acuity limited to light perception with no fixation (0.5 pts), absent pupillary responses, and keratoconus of both eyes, with genotyping by whole exome sequencing and next-generation sequencing panel that did not identify an alternative basis for retinal disease (4 pts), which together are specific for CEP290-related ciliopathy (total 6.5 points, PMID: 36369640, PP4). In summary, this variant meets the criteria to be classified as Pathogenic for CEP290-related ciliopathy based on the ACMG/AMP criteria applied, as specified by the ClinGen LCA/eoRD VCEP: PVS1, PM2_Supporting, and PP4. (LCA/eoRD VCEP Specifications for CEP290 Version 1.0.0)

Myriad Genetics, Inc.
Classification: Pathogenic for CEP290-related ciliopathy. Last evaluated: 2025-03-18. Review status: criteria provided, single submitter. Criteria: Myriad Autosomal Dominant, Autosomal Recessive and X-Linked Classification Criteria (2023). Collection method: clinical testing. Allele origin: unknown. Not counted in ClinVar's aggregate classification.
Comment: NM_025114.3(CEP290):c.1753C>T(Q585*) is expected to be pathogenic in the context of CEP290-related disorders. This variant is predicted to lead to an abnormal or absent protein product due to the creation of a premature termination codon in CEP290, a gene where loss-of-function variants are known to be pathogenic. Please note: this variant was assessed in the context of healthy population screening.

Labcorp Genetics (formerly Invitae), Labcorp
Classification: Pathogenic for Joubert syndrome; Meckel-Gruber syndrome; Nephronophthisis. Last evaluated: 2025-03-17. Review status: criteria provided, single submitter. Criteria: Invitae Variant Classification Sherloc (09022015). Collection method: clinical testing. Allele origin: germline. Not counted in ClinVar's aggregate classification.
Comment: This sequence change creates a premature translational stop signal (p.Gln585*) in the CEP290 gene. It is expected to result in an absent or disrupted protein product. Loss-of-function variants in CEP290 are known to be pathogenic (PMID: 16909394, 17345604, 20690115). This variant is not present in population databases (gnomAD no frequency). This premature translational stop signal has been observed in individual(s) with Leber congenital amaurosis (PMID: 36369640). ClinVar contains an entry for this variant (Variation ID: 934697). Algorithms developed to predict the effect of sequence changes on RNA splicing suggest that this variant may disrupt the consensus splice site. For these reasons, this variant has been classified as Pathogenic.

Baylor Genetics
Classification: Likely pathogenic for Bardet-Biedl syndrome 14. Last evaluated: 2024-03-12. Review status: criteria provided, single submitter. Criteria: ACMG Guidelines, 2015. Collection method: clinical testing. Allele origin: unknown. Not counted in ClinVar's aggregate classification.

Blueprint Genetics
Classification: Likely pathogenic for CEP290-related disorders. Last evaluated: 2022-01-17. Review status: criteria provided, single submitter. Criteria: ACMG Guidelines, 2015. Collection method: clinical testing. Allele origin: germline. Affected: yes. Observed: 3 variant alleles. Not counted in ClinVar's aggregate classification.

Literature cited by the submitters: PubMed 16909394 (cited by Labcorp Genetics (formerly Invitae), Labcorp); PubMed 17345604 (cited by Labcorp Genetics (formerly Invitae), Labcorp); PubMed 20690115 (cited by Labcorp Genetics (formerly Invitae), Labcorp); PubMed 36369640 (cited by Labcorp Genetics (formerly Invitae), Labcorp).

NM_025114.4(CEP290):c.1753C>T (p.Gln585Ter)

Gene: CEP290 (centrosomal protein 290; minus strand). Cytogenetic location: 12q21.32.
Variant type: single nucleotide variant.
Coding change: c.1753C>T on transcript NM_025114.4 (MANE Select); coding-DNA position 1753, C replaced by T.
Protein change: p.Gln585Ter; replaces glutamine 585 with a stop codon.
Molecular consequence: nonsense.
Genome position (GRCh38, 1-based): chr12:88,117,104, G>A on the plus strand (C>T on the coding strand, the complement: CEP290 is on the minus strand). VCF-style: chr12-88117104-G-A. GRCh37 (hg19) VCF-style: chr12-88510881-G-A.
Other names: NM_025114.4(CEP290):c.1753C>T; p.Gln585Ter; short protein forms Q585*.
Identifiers: ClinVar variation 934697 (VCV000934697.12), dbSNP rs867094910, ClinGen allele CA385978257.